The following is an entry in ClinVar:

ClinVar aggregate classification (germline): Benign (1 of 4 stars; one submission).

Allele frequency attached by ClinVar (database versions not stated): 1000 Genomes Project 30x 0.00172; 1000 Genomes Project 0.00200; gnomAD 0.00200 and 0.00221; TOPMed 0.00257; gnomAD exomes 0.00588.

Submission:

CeGaT Center for Human Genetics Tuebingen
Classification: Benign. Last evaluated: 2023-05-01. Review status: criteria provided, single submitter. Criteria: CeGaT Center For Human Genetics Tuebingen Variant Classification Criteria Version 2. Collection method: clinical testing. Allele origin: germline. Affected: yes. Observed: 4 variant alleles.
Comment: SUZ12: BS1, BS2

NC_000017.11:g.32006682G>C

Gene: SUZ12 (SUZ12 polycomb repressive complex 2 subunit; plus strand). Cytogenetic location: 17q11.2.
Variant type: single nucleotide variant.
Genome position: GRCh38 VCF-style: chr17-32006682-G-C. GRCh37 (hg19) VCF-style: chr17-30333701-G-C.
Identifiers: ClinVar variation 1675668 (VCV001675668.33), dbSNP rs140488637, ClinGen allele CA289432524.